The following is an entry in ClinVar:

ClinVar aggregate classification (germline): Uncertain significance. Review status: criteria provided, single submitter (1 of 4 stars). 2 submissions from 2 submitters: Uncertain significance (1). 1 of the submissions does not count toward it. Last evaluated 2022-09-05.

Conditions:
Cohen syndrome (COH1). Also called: PEPPER SYNDROME; Cutis verticis gyrata, retinitis pigmentosa, and sensorineural deafness. Identifiers: Orphanet 193, MedGen C0265223, MONDO:0008999, OMIM 216550.

Allele frequency attached by ClinVar (database versions not stated): gnomAD exomes below 0.00001.
gnomAD v4.1: 1 of 1,613,294 alleles (0.000062%); highest among the groups gnomAD compares: Non-Finnish European, 0.000085%; no homozygotes.

Submissions (2):

Labcorp Genetics (formerly Invitae), Labcorp
Classification: Uncertain significance for Cohen syndrome. Last evaluated: 2022-09-05. Review status: criteria provided, single submitter. Criteria: Invitae Variant Classification Sherloc (09022015). Collection method: clinical testing. Allele origin: germline.
Comment: This sequence change replaces proline, which is neutral and non-polar, with serine, which is neutral and polar, at codon 1545 of the VPS13B protein (p.Pro1545Ser). This variant is not present in population databases (gnomAD no frequency). This variant has not been reported in the literature in individuals affected with VPS13B-related conditions. ClinVar contains an entry for this variant (Variation ID: 860433). Algorithms developed to predict the effect of missense changes on protein structure and function are either unavailable or do not agree on the potential impact of this missense change (SIFT: "Not Available"; PolyPhen-2: "Probably Damaging"; Align-GVGD: "Not Available"). In summary, the available evidence is currently insufficient to determine the role of this variant in disease. Therefore, it has been classified as a Variant of Uncertain Significance.

Natera, Inc.
Classification: Uncertain significance for Cohen syndrome. Last evaluated: 2021-06-23. Review status: no assertion criteria provided. Collection method: clinical testing. Allele origin: germline. Not counted in ClinVar's aggregate classification.

NM_152564.5(VPS13B):c.4558C>T (p.Pro1520Ser)

Gene: VPS13B (vacuolar protein sorting 13 homolog B; plus strand). Cytogenetic location: 8q22.2.
Variant type: single nucleotide variant.
Coding change: c.4558C>T on transcript NM_152564.5 (MANE Select); coding-DNA position 4558, C replaced by T.
Protein change: p.Pro1520Ser; replaces proline 1520 with serine.
Molecular consequence: missense variant.
Genome position (GRCh38, 1-based): chr8:99,511,437, C>T. VCF-style: chr8-99511437-C-T. GRCh37 (hg19) VCF-style: chr8-100523665-C-T.
Other names: c.4633C>T, p.Pro1545Ser (NM_017890.5); short protein forms P1520S, P1545S.
Identifiers: ClinVar variation 860433 (VCV000860433.12), dbSNP rs1821781864, ClinGen allele CA371871892.
Genomic context (GRCh38, chr8:99,511,437, plus strand): 5'-GAGAAAAGAAAATCTCCTGGTCAGCCCATGAGGACCCATACACTGACATCCCGCAATTTA[C>T]CTTTGATTTATGTCAACACAAGTGTAATCAGAATTTTTATTCCAAAAACAGAAGAAATGC-3'
Protein context (NP_689777.3, residues 1510-1530): RTHTLTSRNL[Pro1520Ser]LIYVNTSVIR